The following is an entry in ClinVar:

NM_000138.5(FBN1):c.2928C>T (p.Arg976=)

Gene: FBN1 (fibrillin 1; minus strand). Cytogenetic location: 15q21.1.
Variant type: single nucleotide variant.
Coding change: c.2928C>T on transcript NM_000138.5 (MANE Select); coding-DNA position 2928, C replaced by T.
Protein change: p.Arg976=; no amino-acid change (arginine 976 retained).
Molecular consequence: synonymous variant.
Genome position (GRCh38, 1-based): chr15:48,490,005, G>A on the plus strand (C>T on the coding strand, the complement: FBN1 is on the minus strand). VCF-style: chr15-48490005-G-A. GRCh37 (hg19) VCF-style: chr15-48782202-G-A.
Identifiers: ClinVar variation 406299 (VCV000406299.16), dbSNP rs761997019, ClinGen allele CA049377.

ClinVar aggregate classification (germline): Likely benign. Review status: criteria provided, multiple submitters, no conflicts (2 of 4 stars). 5 submissions from 5 submitters: Likely benign (5). Last evaluated 2025-08-03.

Conditions:
Familial thoracic aortic aneurysm and aortic dissection (TAAD). Also called: Thoracic aortic aneurysms and dissections. Identifiers: Orphanet 91387, MedGen C4707243, MONDO:0019625.
Marfan syndrome (MFS). Also called: Marfan syndrome, classic; Marfan syndrome type 1; Marfan's syndrome; MARFAN SYNDROME, TYPE I; FBN1-Related Marfan Syndrome. Identifiers: Orphanet 284963, Orphanet 558, MedGen C0024796, MONDO:0007947, OMIM 154700.

Allele frequency attached by ClinVar (database versions not stated): TOPMed below 0.00001; gnomAD exomes 0.00008 and 0.00005; ExAC 0.00007.
gnomAD v4.1: 70 of 1,614,104 alleles (0.0043%); highest among the groups gnomAD compares: South Asian, 0.076%; 2 homozygotes.

Submissions (5):

Labcorp Genetics (formerly Invitae), Labcorp
Classification: Likely benign for Marfan syndrome; Familial thoracic aortic aneurysm and aortic dissection. Last evaluated: 2025-08-03. Review status: criteria provided, single submitter. Criteria: Invitae Variant Classification Sherloc (09022015). Collection method: clinical testing. Allele origin: germline.

Ambry Genetics
Classification: Likely benign for Familial thoracic aortic aneurysm and aortic dissection. Last evaluated: 2024-10-08. Review status: criteria provided, single submitter. Criteria: Ambry Variant Classification Scheme 2023. Collection method: clinical testing. Allele origin: germline.

All of Us Research Program, National Institutes of Health
Classification: Likely benign for Marfan syndrome. Last evaluated: 2023-06-28. Review status: criteria provided, single submitter. Criteria: ACMG Guidelines, 2015. Collection method: clinical testing. Allele origin: germline. Inheritance: Autosomal dominant inheritance. Observed: 2 variant alleles, 2 heterozygotes.
Comment: This study involves interpretation of variants in research participants for the purpose of population health screening. Participant phenotype was not available at the time of variant classification. Additional details can be found in publication PMID: 35346344, PMCID: PMC8962531

GeneDx
Classification: Likely benign. Last evaluated: 2020-10-08. Review status: criteria provided, single submitter. Criteria: GeneDx Variant Classification Process June 2021. Collection method: clinical testing. Allele origin: germline. Affected: yes.

Color Diagnostics, LLC DBA Color Health
Classification: Likely benign for Familial thoracic aortic aneurysm and aortic dissection. Last evaluated: 2019-07-01. Review status: criteria provided, single submitter. Criteria: ACMG Guidelines, 2015. Collection method: clinical testing. Allele origin: germline.